The following is an entry in ClinVar:

NM_003628.6(PKP4):c.1850C>T (p.Pro617Leu)

Gene: PKP4 (plakophilin 4; plus strand). Cytogenetic location: 2q24.1.
Variant type: single nucleotide variant.
Coding change: c.1850C>T on transcript NM_003628.6 (MANE Select); coding-DNA position 1850, C replaced by T.
Protein change: p.Pro617Leu; replaces proline 617 with leucine.
Molecular consequence: missense variant.
Genome position (GRCh38, 1-based): chr2:158,642,640, C>T. VCF-style: chr2-158642640-C-T. GRCh37 (hg19) VCF-style: chr2-159499152-C-T.
Other names: c.1850C>T, p.Pro617Leu (NM_001005476.4, NM_001304971.2, NM_001377218.1 and 1 more transcripts); c.1847C>T, p.Pro616Leu (NM_001304969.3, NM_001377219.1, NM_001377220.1 and 2 more transcripts); c.821C>T, p.Pro274Leu (NM_001304970.3); c.1844C>T, p.Pro615Leu (NM_001377222.1, NM_001377223.1); c.1841C>T, p.Pro614Leu (NM_001377224.1); short protein forms P274L, P615L, P614L, P616L, P617L.
Identifiers: ClinVar variation 2563003 (VCV002563003.2), dbSNP rs1452940970, ClinGen allele CA348913164.

ClinVar aggregate classification (germline): Uncertain significance (1 of 4 stars; one submission).

Submission:

Ambry Genetics
Classification: Uncertain significance. Last evaluated: 2023-03-18. Review status: criteria provided, single submitter. Criteria: Ambry Variant Classification Scheme 2023. Collection method: clinical testing. Allele origin: germline.
Comment: The p.P617L variant (also known as c.1850C>T), located in coding exon 10 of the PKP4 gene, results from a C to T substitution at nucleotide position 1850. The proline at codon 617 is replaced by leucine, an amino acid with similar properties. This amino acid position is conserved. In addition, this alteration is predicted to be deleterious by in silico analysis. Since supporting evidence is limited at this time, the clinical significance of this alteration remains unclear.